The following is an entry in ClinVar:

NM_001366385.1(CARD14):c.2219+4A>G

Genes: SGSH (N-sulfoglucosamine sulfohydrolase; minus strand), CARD14 (caspase recruitment domain family member 14; plus strand). Cytogenetic location: 17q25.3.
Variant type: single nucleotide variant.
Coding change: c.2219+4A>G on transcript NM_001366385.1 (MANE Select); 4 bases into the intron after coding-DNA position 2219, A replaced by G.
Molecular consequence: intron variant. On other transcripts: stop lost (1).
Genome position (GRCh38, 1-based): chr17:80,202,424, A>G. VCF-style: chr17-80202424-A-G. GRCh37 (hg19) VCF-style: chr17-78176223-A-G.
Other names: c.2223A>G, p.Ter741Trp (NM_001257970.1); c.2219+4A>G (NM_024110.4).
Identifiers: ClinVar variation 1039285 (VCV001039285.7), dbSNP rs2041033764, ClinGen allele CA401354287.
Genomic context (GRCh38, chr17:80,202,424, plus strand): 5'-GAACTCTTACACCATGAAGGATACTGCCGCGCACGGCACCATCCCCAACTACTCCAGGTG[A>G]GCAGCTGCCTCGAGCTCGGTGCGTCCCCAGAGAGGCCCACAGGGAAATGGCACCCAGCCT-3'

ClinVar aggregate classification (germline): Uncertain significance (1 of 4 stars; one submission).

Conditions:
Pityriasis rubra pilaris (PRP). Also called: Pityriasis rubra pilaris--familial type. Identifiers: Orphanet 2897, MedGen C0032027, MONDO:0100017, OMIM 173200, MONDO:0008251.
Psoriasis 2. Identifiers: MedGen C1864497, MONDO:0011269, OMIM 602723.

Allele frequency attached by ClinVar (database versions not stated): gnomAD 0.00001.
gnomAD v4.1: 1 of 1,608,360 alleles (0.000062%); no homozygotes.

Submission:

Labcorp Genetics (formerly Invitae), Labcorp
Classification: Uncertain significance for Pityriasis rubra pilaris; Psoriasis 2. Last evaluated: 2020-08-10. Review status: criteria provided, single submitter. Criteria: Invitae Variant Classification Sherloc (09022015). Collection method: clinical testing. Allele origin: germline.
Comment: This sequence change falls in intron 15 of the CARD14 gene. It does not directly change the encoded amino acid sequence of the CARD14 protein, but it affects a nucleotide within the consensus splice site of the intron. In summary, the available evidence is currently insufficient to determine the role of this variant in disease. Therefore, it has been classified as a Variant of Uncertain Significance. Nucleotide substitutions within the consensus splice site are a relatively common cause of aberrant splicing (PMID: 17576681, 9536098). Algorithms developed to predict the effect of sequence changes on RNA splicing suggest that this variant may disrupt the consensus splice site, but this prediction has not been confirmed by published transcriptional studies. This variant has not been reported in the literature in individuals with CARD14-related conditions. This variant is not present in population databases (ExAC no frequency).

Literature cited by the submitters: PubMed 17576681; PubMed 9536098.